The following is an entry in ClinVar:

NM_001009944.3(PKD1):c.4495C>T (p.Leu1499=)

Gene: PKD1 (polycystin 1, transient receptor potential channel interacting; minus strand). Cytogenetic location: 16p13.3.
Variant type: single nucleotide variant.
Coding change: c.4495C>T on transcript NM_001009944.3 (MANE Select); coding-DNA position 4495, C replaced by T.
Protein change: p.Leu1499=; no amino-acid change (leucine 1499 retained).
Molecular consequence: synonymous variant.
Genome position (GRCh38, 1-based): chr16:2,110,672, G>A on the plus strand (C>T on the coding strand, the complement: PKD1 is on the minus strand). VCF-style: chr16-2110672-G-A. GRCh37 (hg19) VCF-style: chr16-2160673-G-A.
Other names: p.Leu1499=; c.4495C>T, p.Leu1499= (NM_000296.4).
Identifiers: ClinVar variation 256966 (VCV000256966.45), dbSNP rs142002333, ClinGen allele CA7832353.
Genomic context (GRCh38, chr16:2,110,672, plus strand): 5'-TGTTGTAAGCGTGGGTGACCTCCGGACCCTCGAGCCACCCACCGTCCCCCAGATCCCACA[G>A]GTAGCTGGCGGGGCGCCCACGGCCCACAGCAGAGAACAGGTACGGCTGCTGCAGCTCCAG-3'
Protein context (NP_001009944.3, residues 1489-1509): AVGRGRPASY[Leu1499=]WDLGDGGWLE

ClinVar aggregate classification (germline): Benign/Likely benign. Review status: criteria provided, multiple submitters, no conflicts (2 of 4 stars). 14 submissions from 14 submitters: Benign (4); Likely benign (6). 4 of the submissions do not count toward it. Last evaluated 2026-08-01.

Conditions:
Polycystic kidney disease, adult type (PKD1). Also called: POLYCYSTIC KIDNEY DISEASE, ADULT, TYPE I; Polycystic Kidney, Autosomal Dominant; Polycystic Kidney Disease 1, Autosomal Dominant; Polycystic kidney disease 1; Polycystic kidney disease 1, severe; POLYCYSTIC KIDNEY DISEASE 1 WITH OR WITHOUT POLYCYSTIC LIVER DISEASE. Identifiers: MedGen C3149841, MONDO:0008263, OMIM 173900.
Polycystic kidney disease. Also called: Kidney, Polycystic; Polycystic kidney dysplasia. Identifiers: MedGen C0022680, MeSH D007690, MONDO:0020642, HP:0000113.

Allele frequency attached by ClinVar (database versions not stated): 1000 Genomes Project 30x 0.00125; 1000 Genomes Project 0.00140; gnomAD exomes 0.00262 and 0.00312; ExAC 0.00268; gnomAD 0.00270 and 0.00272; TOPMed 0.00274; ESP Exome Variant Server 0.00379.
gnomAD v4.1: 4,994 of 1,610,266 alleles (0.31%); highest among the groups gnomAD compares: Middle Eastern, 1.1%; 9 homozygotes.

Submissions (14):

CeGaT Center for Human Genetics Tuebingen
Classification: Likely benign. Last evaluated: 2026-08-01. Review status: criteria provided, single submitter. Criteria: CeGaT Center For Human Genetics Tuebingen Variant Classification Criteria Version 2. Collection method: clinical testing. Allele origin: germline. Affected: yes. Observed: 22 variant alleles.
Comment: PKD1: BP4, BP7

Mayo Clinic Laboratories, Mayo Clinic
Classification: Likely benign. Last evaluated: 2025-07-09. Review status: criteria provided, single submitter. Criteria: ACMG Guidelines, 2015. Collection method: clinical testing. Allele origin: germline. Observed: 7 variant alleles.
Comment: BS1, BP4, BP7

Women's Health and Genetics/Laboratory Corporation of America, LabCorp
Classification: Benign. Last evaluated: 2025-04-25. Review status: criteria provided, single submitter. Criteria: LabCorp Variant Classification Summary - May 2015. Collection method: clinical testing. Allele origin: germline.

Blueprint Genetics
Classification: Likely benign. Last evaluated: 2024-11-27. Review status: criteria provided, single submitter. Criteria: ACMG Guidelines, 2015. Collection method: clinical testing. Allele origin: germline.

Fulgent Genetics
Classification: Benign for Polycystic kidney disease, adult type. Last evaluated: 2021-08-10. Review status: criteria provided, single submitter. Criteria: ACMG Guidelines, 2015. Collection method: clinical testing. Allele origin: unknown.

GeneDx
Classification: Likely benign. Last evaluated: 2021-01-19. Review status: criteria provided, single submitter. Criteria: GeneDx Variant Classification Process June 2021. Collection method: clinical testing. Allele origin: germline. Affected: yes.
Comment: This variant is associated with the following publications: (PMID: 18837007, 29860066)

ARUP Laboratories, Molecular Genetics and Genomics, ARUP Laboratories
Classification: Benign for Polycystic kidney disease, adult type. Last evaluated: 2020-06-02. Review status: criteria provided, single submitter. Criteria: ARUP Molecular Germline Variant Investigation Process. Collection method: clinical testing. Allele origin: germline.

Athena Diagnostics
Classification: Benign. Last evaluated: 2019-11-19. Review status: criteria provided, single submitter. Criteria: Athena Diagnostics Criteria. Collection method: clinical testing. Allele origin: unknown.

Breakthrough Genomics
Classification: Likely benign. Review status: criteria provided, single submitter. Criteria: ACMG Guidelines, 2015. Collection method: not provided. Allele origin: germline. Inheritance: Autosomal dominant inheritance. Affected: yes.

PreventionGenetics, part of Exact Sciences
Classification: Likely benign. Review status: criteria provided, single submitter. Criteria: ACMG Guidelines, 2015. Collection method: clinical testing. Allele origin: germline.

Clinical Genetics DNA and cytogenetics Diagnostics Lab, Erasmus MC, Erasmus Medical Center
Classification: Benign. Review status: no assertion criteria provided. Collection method: clinical testing. Allele origin: germline. Affected: yes. Study: VKGL Data-share Consensus. Not counted in ClinVar's aggregate classification.

Department of Pathology and Laboratory Medicine, Sinai Health System
Classification: Likely benign for Polycystic Kidney disease. Review status: no assertion criteria provided. Collection method: clinical testing. Allele origin: unknown. Affected: yes. Observed: 3 variant alleles. Study: The Canadian Open Genetics Repository (COGR). Not counted in ClinVar's aggregate classification.
Comment: The PKD1 p.Leu1499= variant was identified in 5 of 578 proband chromosomes (frequency: 0.009) from individuals or families with ADPKD (Rossetti 2012, Tan 2009). The variant was also identified in the following databases: dbSNP (ID: rs142002333) as â€šÃ„Ãºwith Likely benign alleleâ€šÃ„Ã¹, ClinVar (classified as likely benign by Prevention Genetics), GeneInsight-COGR (classified as benign by a clinical laboratory - LMM), ADPKD Mutation Database (classified as likely neutral). The variant was not identified in LOVD 3.0, PKD1-LOVD, databases. The variant was identified in control databases in 713 (1 homozygous) of 274464 chromosomes at a frequency of 0.003 increasing the likelihood this could be a low frequency benign variant (Genome Aggregation Consortium Feb 27, 2017). In addition we cannot be certain that data from control databases is specific to PKD1 and not from one of the six PKD1 pseudogenes. The p.Leu1499= variant is not expected to have clinical significance because it does not result in a change of amino acid and is not located in a known consensus splice site. In addition, in silico or computational prediction software programs (SpliceSiteFinder, MaxEntScan, NNSPLICE, GeneSplicer, HumanSpliceFinder) do not predict a difference in splicing. In summary, based on the above information, the clinical significance of this variant cannot be determined with certainty at this time although we would lean towards a more benign role for this variant. This variant is classified as likely benign.

Genome Diagnostics Laboratory, University Medical Center Utrecht
Classification: Benign. Review status: no assertion criteria provided. Collection method: clinical testing. Allele origin: germline. Affected: yes. Study: VKGL Data-share Consensus. Not counted in ClinVar's aggregate classification.

Laboratory of Diagnostic Genome Analysis, Leiden University Medical Center (LUMC)
Classification: Likely benign. Review status: no assertion criteria provided. Collection method: clinical testing. Allele origin: germline. Affected: yes. Study: VKGL Data-share Consensus. Not counted in ClinVar's aggregate classification.

Literature cited by the submitters: PubMed 18837007 (cited by Mayo Clinic Laboratories, Mayo Clinic and Athena Diagnostics); PubMed 22383692 (cited by Mayo Clinic Laboratories, Mayo Clinic and Athena Diagnostics); PubMed 29860066 (cited by Mayo Clinic Laboratories, Mayo Clinic and Athena Diagnostics); PubMed 35031424 (cited by Mayo Clinic Laboratories, Mayo Clinic).